The following is an entry in ClinVar:

NM_000037.4(ANK1):c.5395-1162C>A

Gene: ANK1 (ankyrin 1; minus strand). Cytogenetic location: 8p11.21.
Variant type: single nucleotide variant.
Coding change: c.5395-1162C>A on transcript NM_000037.4 (MANE Select); 1162 bases into the intron before coding-DNA position 5395, C replaced by A.
Molecular consequence: intron variant. On other transcripts: synonymous variant (3).
Genome position (GRCh38, 1-based): chr8:41,664,904, G>T on the plus strand (C>A on the coding strand, the complement: ANK1 is on the minus strand). VCF-style: chr8-41664904-G-T. GRCh37 (hg19) VCF-style: chr8-41522422-G-T.
Other names: c.120C>A, p.Ile40= (NM_001142445.2, NM_020478.5, NM_020480.5); c.5518-1162C>A (NM_001142446.2); c.4909-1162C>A (NM_020477.3); c.5395-1162C>A (NM_020475.3, NM_020476.3); c.120C>A (NM_020478.4).
Identifiers: ClinVar variation 774881 (VCV000774881.37), dbSNP rs145094714, ClinGen allele CA4727239.

ClinVar aggregate classification (germline): Benign/Likely benign. Review status: criteria provided, multiple submitters, no conflicts (2 of 4 stars). 6 submissions from 6 submitters: Benign (5); Likely benign (1). Last evaluated 2026-05-01.

Conditions:
ANK1-related disorder. Also called: ANK1-related condition.
Hereditary spherocytosis type 1. Also called: Spherocytosis type 1; ANK1-Related Spherocytosis. Identifiers: Orphanet 822, MedGen C2674218, MONDO:0008447, OMIM 182900.

Allele frequency attached by ClinVar (database versions not stated): ESP Exome Variant Server 0.00092; TOPMed 0.00123; gnomAD 0.00138 and 0.00171; 1000 Genomes Project 30x 0.00219; gnomAD exomes 0.00223 and 0.00234; ExAC 0.00237; 1000 Genomes Project 0.00240.
gnomAD v4.1: 3,526 of 1,614,194 alleles (0.22%); highest among the groups gnomAD compares: South Asian, 1.1%; 19 homozygotes.

Submissions (6):

CeGaT Center for Human Genetics Tuebingen
Classification: Benign. Last evaluated: 2026-05-01. Review status: criteria provided, single submitter. Criteria: CeGaT Center For Human Genetics Tuebingen Variant Classification Criteria Version 2. Collection method: clinical testing. Allele origin: germline. Affected: yes. Observed: 2 variant alleles.
Comment: ANK1: BP4, BP7, BS1, BS2

PreventionGenetics, part of Exact Sciences
Classification: Benign for ANK1-related condition. Last evaluated: 2025-03-06. Review status: criteria provided, single submitter. Criteria: ACMG Guidelines, 2015. Collection method: clinical testing. Allele origin: germline.
Comment: This variant is classified as benign based on ACMG/AMP sequence variant interpretation guidelines (Richards et al. 2015 PMID: 25741868, with internal and published modifications).

Blueprint Genetics
Classification: Likely benign. Last evaluated: 2024-11-19. Review status: criteria provided, single submitter. Criteria: ACMG Guidelines, 2015. Collection method: clinical testing. Allele origin: germline.

ARUP Laboratories, Molecular Genetics and Genomics, ARUP Laboratories
Classification: Benign for Hereditary spherocytosis type 1. Last evaluated: 2024-07-31. Review status: criteria provided, single submitter. Criteria: ARUP Molecular Germline Variant Investigation Process 2024. Collection method: clinical testing. Allele origin: germline.

Genome-Nilou Lab
Classification: Benign for Hereditary spherocytosis type 1. Last evaluated: 2021-12-05. Review status: criteria provided, single submitter. Criteria: ACMG Guidelines, 2015. Collection method: clinical testing. Allele origin: germline. Affected: no.

Labcorp Genetics (formerly Invitae), Labcorp
Classification: Benign. Last evaluated: 2019-12-31. Review status: criteria provided, single submitter. Criteria: Invitae Variant Classification Sherloc (09022015). Collection method: clinical testing. Allele origin: germline.